The following is an entry in ClinVar:

ClinVar aggregate classification (germline): Uncertain significance (1 of 4 stars; one submission).

Allele frequency attached by ClinVar (database versions not stated): gnomAD exomes 0.00002; gnomAD 0.00005; TOPMed 0.00006.
gnomAD v4.1: 28 of 1,453,202 alleles (0.0019%); highest among the groups gnomAD compares: East Asian, 0.013%; no homozygotes.

Submission:

GeneDx
Classification: Uncertain significance. Last evaluated: 2022-09-28. Review status: criteria provided, single submitter. Criteria: GeneDx Variant Classification Process June 2021. Collection method: clinical testing. Allele origin: germline. Affected: yes.
Comment: Located in a region that tolerates variation and lacks pathogenic variants; Has not been previously published as pathogenic or benign to our knowledge

NM_014780.5(CUL7):c.-109C>T

Genes: CUL7 (cullin 7; minus strand), LOC129996487 (ATAC-STARR-seq lymphoblastoid silent region 17217; plus strand). Cytogenetic location: 6p21.1.
Variant type: single nucleotide variant.
Coding change: c.-109C>T on transcript NM_014780.5 (MANE Select); 109 bases upstream of the start codon, C replaced by T.
Molecular consequence: 5 prime UTR variant.
Genome position (GRCh38, 1-based): chr6:43,053,722, G>A on the plus strand (C>T on the coding strand, the complement: CUL7 is on the minus strand). VCF-style: chr6-43053722-G-A. GRCh37 (hg19) VCF-style: chr6-43021460-G-A.
Other names: c.-20C>T (NM_001168370.2); c.-109C>T (NM_001374872.1, NM_001374873.1, NM_001374874.1).
Identifiers: ClinVar variation 2446634 (VCV002446634.1), dbSNP rs984755455, ClinGen allele CA138252479.